The following is an entry in ClinVar:

ClinVar aggregate classification (germline): Uncertain significance (1 of 4 stars; one submission).

Submission:

Labcorp Genetics (formerly Invitae), Labcorp
Classification: Uncertain significance. Last evaluated: 2022-01-28. Review status: criteria provided, single submitter. Criteria: Invitae Variant Classification Sherloc (09022015). Collection method: clinical testing. Allele origin: germline.
Comment: In summary, the available evidence is currently insufficient to determine the role of this variant in disease. Therefore, it has been classified as a Variant of Uncertain Significance. Algorithms developed to predict the effect of missense changes on protein structure and function are either unavailable or do not agree on the potential impact of this missense change (SIFT: "Not Available"; PolyPhen-2: "Possibly Damaging"; Align-GVGD: "Not Available"). This variant has not been reported in the literature in individuals affected with SLC34A1-related conditions. Information on the frequency of this variant in the gnomAD database is not available, as this variant may be reported differently in the database. This sequence change replaces alanine, which is neutral and non-polar, with phenylalanine, which is neutral and non-polar, at codon 28 of the SLC34A1 protein (p.Ala28Phe).

NM_003052.5(SLC34A1):c.82_83delinsTT (p.Ala28Phe)

Gene: SLC34A1 (solute carrier family 34 member 1; plus strand). Cytogenetic location: 5q35.3.
Variant type: Indel.
Coding change: c.82_83delinsTT on transcript NM_003052.5 (MANE Select); coding-DNA positions 82 to 83, GC replaced by TT.
Protein change: p.Ala28Phe; replaces alanine 28 with phenylalanine.
Molecular consequence: missense variant.
Genome position (GRCh38, 1-based): chr5:177,385,823-177,385,824, GC replaced by TT. VCF-style: chr5-177385823-GC-TT. GRCh37 (hg19) VCF-style: chr5-176812824-GC-TT.
Other names: c.82_83delinsTT, p.Ala28Phe (NM_001167579.2); short protein forms A28F.
Identifiers: ClinVar variation 2090659 (VCV002090659.4), dbSNP rs2481007878, ClinGen allele CA2580074104.
Genomic context (GRCh38, chr5:177,385,823, plus strand): 5'-CTGGGGTCCCCTGCTGTCTCCCCACTCCCAGTCCGTGGGGGGCATGTGATGCGAGGGACG[GC>TT]CTTTGCCTACGTGCCCAGCCCTCAGGGTAAGTGCTGCTCCCACACCCTGGACCCTGGTTG-3'
Protein context (NP_003043.3, residues 18-38): VRGGHVMRGT[Ala28Phe]FAYVPSPQVL